The following is an entry in ClinVar:

NM_152309.3(PIK3AP1):c.13+3G>A

Genes: PIK3AP1 (phosphoinositide-3-kinase adaptor protein 1; minus strand), LOC130004450 (ATAC-STARR-seq lymphoblastoid silent region 2658; plus strand). Cytogenetic location: 10q24.1.
Variant type: single nucleotide variant.
Coding change: c.13+3G>A on transcript NM_152309.3 (MANE Select); 3 bases into the intron after coding-DNA position 13, G replaced by A.
Molecular consequence: intron variant.
Genome position (GRCh38, 1-based): chr10:96,720,379, C>T on the plus strand (G>A on the coding strand, the complement: PIK3AP1 is on the minus strand). VCF-style: chr10-96720379-C-T. GRCh37 (hg19) VCF-style: chr10-98480136-C-T.
Identifiers: ClinVar variation 652145 (VCV000652145.9), dbSNP rs996067839, ClinGen allele CA212180064.
Genomic context (GRCh38, chr10:96,720,379, plus strand): 5'-AAGGGATGCGGGGTACGAGAGAGGGGCCGGGAGCCCGGGGACCCGCGGCGCCTGCCTACC[C>T]ACCTGAGGCTGCCATGCCGCGGGGCGCCGCTCACATCCCTGGCTCGCTGCGTGCCCGGGG-3'

ClinVar aggregate classification (germline): Uncertain significance (1 of 4 stars; one submission).

Conditions:
Infantile spasms. Also called: Infantile spasm. Identifiers: MedGen C3887898, HP:0012469.

Allele frequency attached by ClinVar (database versions not stated): gnomAD exomes 0.00001; gnomAD 0.00003; TOPMed 0.00003.
gnomAD v4.1: 7 of 1,241,112 alleles (0.00056%); highest among the groups gnomAD compares: African/African-American, 0.0093%; no homozygotes.

Submission:

Labcorp Genetics (formerly Invitae), Labcorp
Classification: Uncertain significance for Infantile spasms. Last evaluated: 2024-08-07. Review status: criteria provided, single submitter. Criteria: Invitae Variant Classification Sherloc (09022015). Collection method: clinical testing. Allele origin: germline.
Comment: This sequence change falls in intron 1 of the PIK3AP1 gene. It does not directly change the encoded amino acid sequence of the PIK3AP1 protein. It affects a nucleotide within the consensus splice site. This variant is present in population databases (no rsID available, gnomAD 0.02%). This variant has not been reported in the literature in individuals affected with PIK3AP1-related conditions. ClinVar contains an entry for this variant (Variation ID: 652145). Variants that disrupt the consensus splice site are a relatively common cause of aberrant splicing (PMID: 17576681, 9536098). Algorithms developed to predict the effect of sequence changes on RNA splicing suggest that this variant is not likely to affect RNA splicing. In summary, the available evidence is currently insufficient to determine the role of this variant in disease. Therefore, it has been classified as a Variant of Uncertain Significance.

Literature cited by the submitters: PubMed 17576681; PubMed 9536098.